The following is an entry in ClinVar:

NM_000478.6(ALPL):c.485G>A (p.Gly162Asp)

Gene: ALPL (alkaline phosphatase, biomineralization associated; plus strand). Cytogenetic location: 1p36.12.
Variant type: single nucleotide variant.
Coding change: c.485G>A on transcript NM_000478.6 (MANE Select); coding-DNA position 485, G replaced by A.
Protein change: p.Gly162Asp; replaces glycine 162 with aspartic acid.
Molecular consequence: missense variant.
Genome position (GRCh38, 1-based): chr1:21,564,053, G>A. VCF-style: chr1-21564053-G-A. GRCh37 (hg19) VCF-style: chr1-21890546-G-A.
Other names: c.254G>A, p.Gly85Asp (NM_001177520.3); c.485G>A, p.Gly162Asp (NM_001369803.2, NM_001369804.2, NM_001369805.2); c.320G>A, p.Gly107Asp (NM_001127501.4); short protein forms G85D, G107D, G162D.
Identifiers: ClinVar variation 3717679 (VCV003717679.4).

ClinVar aggregate classification (germline): Likely pathogenic. Review status: criteria provided, multiple submitters, no conflicts (2 of 4 stars). 3 submissions from 3 submitters: Likely pathogenic (3). Last evaluated 2025-08-29.

Conditions:
Hypophosphatasia. Also called: Phosphoethanol-aminuria. Identifiers: Orphanet 436, MedGen C0020630, MeSH D007014, MONDO:0018570.
Adult hypophosphatasia. Identifiers: Orphanet 247676, Orphanet 436, MedGen C0268413, MONDO:1010154, OMIM 146300, MONDO:0007798.

Submissions (3):

Genomenon, Inc
Classification: Likely pathogenic for Hypophosphatasia. Last evaluated: 2025-08-29. Review status: criteria provided, single submitter. Criteria: Genomenon Sequence Variant Interpretation Standards. Collection method: curation. Allele origin: germline. Affected: yes.
Comment: ALPL c.485G>A is a missense variant that changes the amino acid at residue 162 from Glycine to Aspartic acid. This variant has been observed in a proband affected with hypophosphatasia (PMID:39506814). It is absent or not present at a significant frequency in gnomAD. In silico models agree that this variant is possibly or probably damaging. The presence of pathogenic missense variant(s) at the same amino acid position indicates that this residue is likely important for protein function. In conclusion, we classify ALPL p.Gly162Asp (c.485G>A) as a likely pathogenic variant.

Greenwood Genetic Center Diagnostic Laboratories, Greenwood Genetic Center
Classification: Likely pathogenic for Adult hypophosphatasia. Last evaluated: 2025-05-14. Review status: criteria provided, single submitter. Criteria: ACMG Guidelines, 2015. Collection method: clinical testing. Allele origin: germline. Affected: yes.
Comment: PS3_Moderate, PM2, PM5_Supporting, PP3

Labcorp Genetics (formerly Invitae), Labcorp
Classification: Likely pathogenic. Last evaluated: 2024-11-19. Review status: criteria provided, single submitter. Criteria: Invitae Variant Classification Sherloc (09022015). Collection method: clinical testing. Allele origin: germline.
Comment: This sequence change replaces glycine, which is neutral and non-polar, with aspartic acid, which is acidic and polar, at codon 162 of the ALPL protein (p.Gly162Asp). This variant is not present in population databases (gnomAD no frequency). This variant has not been reported in the literature in individuals affected with ALPL-related conditions. Invitae Evidence Modeling of protein sequence and biophysical properties (such as structural, functional, and spatial information, amino acid conservation, physicochemical variation, residue mobility, and thermodynamic stability) indicates that this missense variant is expected to disrupt ALPL protein function with a positive predictive value of 95%. This variant disrupts the p.Gly162 amino acid residue in ALPL. Other variant(s) that disrupt this residue have been determined to be pathogenic (PMID: 10094560, 10332035, 12815606, 26823351). This suggests that this residue is clinically significant, and that variants that disrupt this residue are likely to be disease-causing. In summary, the currently available evidence indicates that the variant is pathogenic, but additional data are needed to prove that conclusively. Therefore, this variant has been classified as Likely Pathogenic.

Literature cited by the submitters: PubMed 39506814 (cited by Genomenon, Inc); PubMed 10094560 (cited by Labcorp Genetics (formerly Invitae), Labcorp); PubMed 10332035 (cited by Labcorp Genetics (formerly Invitae), Labcorp); PubMed 12815606 (cited by Labcorp Genetics (formerly Invitae), Labcorp); PubMed 26823351 (cited by Labcorp Genetics (formerly Invitae), Labcorp).